The following is an entry in ClinVar:

ClinVar aggregate classification (germline): Pathogenic/Likely pathogenic. Review status: criteria provided, multiple submitters, no conflicts (2 of 4 stars). 21 submissions from 21 submitters: Pathogenic (13); Likely pathogenic (3). 5 of the submissions do not count toward it. Last evaluated 2026-07-08.

Conditions:
BRCA2-related cancer predisposition. Identifiers: MedGen CN377758, MONDO:0700269.
BRCA2-related disorder. Also called: BRCA2-related condition; BRCA2-related disorders. Identifiers: MedGen CN239275.
Hereditary cancer-predisposing syndrome. Also called: Neoplastic Syndromes, Hereditary; Hereditary neoplastic syndrome; Hereditary Cancer Syndrome; Tumor predisposition. Identifiers: Orphanet 140162, MedGen C0027672, MeSH D009386, MONDO:0015356.
Hereditary breast ovarian cancer syndrome. Also called: BRCA1- and BRCA2-Associated Hereditary Breast and Ovarian Cancer; Hereditary breast and ovarian cancer syndrome (HBOC); Hereditary breast and ovarian cancer syndrome; Hereditary breast and/or ovarian cancer syndrome; Breast and ovarian cancer; Hereditary breast and ovarian cancer. Identifiers: Orphanet 145, MedGen C0677776, MeSH D061325, MONDO:0003582. Disease mechanism: loss of function.
Breast-ovarian cancer, familial, susceptibility to, 2 (BROVCA2). Also called: BRCA2 Hereditary Breast and Ovarian Cancer. Identifiers: Orphanet 145, MedGen C2675520, MONDO:0012933, OMIM 612555. Disease mechanism: loss of function.
Familial cancer of breast. Also called: hereditary breast carcinoma; Hereditary breast cancer; BREAST CANCER, FAMILIAL. Identifiers: Orphanet 227535, MedGen C0346153, MONDO:0016419, OMIM 114480. Disease mechanism: loss of function.

Allele frequency attached by ClinVar (database versions not stated): gnomAD exomes 0.00001 and below 0.00001; ExAC 0.00001; TOPMed below 0.00001.
gnomAD v4.1: 2 of 1,613,808 alleles (0.00012%); highest among the groups gnomAD compares: Admixed American, 0.0033%; no homozygotes.

Submissions 1 to 7 of 21:

Ambry Genetics
Classification: Pathogenic for Hereditary cancer-predisposing syndrome. Last evaluated: 2026-07-08. Review status: criteria provided, single submitter. Criteria: Ambry Variant Classification Scheme 2023. Collection method: clinical testing. Allele origin: germline.
Comment: The c.8377G>A (p.G2793R) alteration is located in exon 19 (coding exon 18) of the BRCA2 gene. This alteration results from a G to A substitution at nucleotide position 8377, causing the glycine (G) at amino acid position 2793 to be replaced by an arginine (R). This variant was not reported in population-based cohorts in the Genome Aggregation Database (gnomAD). This alteration has been detected in multiple hereditary breast and ovarian cancer (HBOC) families (Ruiz-Flores, 2002; Weitzel, 2005; Weitzel, 2013; El Saghir, 2015; Rebbeck, 2018; Fern&aacute;ndez-Lopez, 2019; Zayas-Villanueva, 2019). This amino acid position is highly conserved in available vertebrate species. This alteration is located in the DNA binding domain (DBD) of BRCA2 and was classified as pathogenic (p &ge; 0.999) by a highly sensitive and specific model based on in vivo homology-directed repair (HDR) activity (Guidugli, 2013; Guidugli, 2018). This alteration is predicted to be deleterious by in silico analysis. In addition, this alteration was predicted to be likely deleterious based on a computational method that produces a probabilistic likelihood ratio predictive of whether a missense variant impairs protein function (Karchin, 2008). Based on the available evidence, this alteration is classified as pathogenic.

PreventionGenetics, part of Exact Sciences
Classification: Pathogenic for BRCA2-related condition. Last evaluated: 2026-03-03. Review status: criteria provided, single submitter. Criteria: ACMG Guidelines, 2015. Collection method: clinical testing. Allele origin: germline.
Comment: The BRCA2 c.8377G>A variant is predicted to result in the amino acid substitution p.Gly2793Arg. This variant has been reported in multiple unrelated individuals with a personal or family history of breast and/or ovarian cancer (Ruiz-Flores et al. 2002. PubMed ID: 12442275; Calderón-Garcidueñas et al. 2005. PubMed ID: 15889636; Weitzel et al. 2013. PubMed ID: 23233716; El Saghir et al. 2015. PubMed ID: 25777348; Rebbeck et al. 2018. PubMed ID: 29446198; Fernández-Lopez et al. 2019. PubMed ID: 30630528; Zayas-Villanueva et al. 2019. PubMed ID: 31331294). Functional assays indicate this variant impacts homology directed repair (Guidugli et al. 2013. PubMed ID: 23108138; Guidugli. 2018. PubMed ID: 29394989; Richardson et al. 2021. PubMed ID: 33609447; Hu et al. 2022. PubMed ID: 35736817). This variant is reported in 0.0058% of alleles in individuals of Latino descent in gnomAD. This variant is classified as pathogenic and likely pathogenic by multiple clinical submitters in ClinVar (Variation ID: 52569). Taken together, this variant is interpreted as pathogenic.

Labcorp Genetics (formerly Invitae), Labcorp
Classification: Pathogenic for Hereditary breast ovarian cancer syndrome. Last evaluated: 2026-01-19. Review status: criteria provided, single submitter. Criteria: Invitae Variant Classification Sherloc (09022015). Collection method: clinical testing. Allele origin: germline.
Comment: This sequence change replaces glycine, which is neutral and non-polar, with arginine, which is basic and polar, at codon 2793 of the BRCA2 protein (p.Gly2793Arg). RNA analysis indicates that this missense change induces altered splicing and likely results in a shortened protein product. This variant is present in population databases (rs80359082, gnomAD 0.006%). This missense change has been observed in individual(s) with breast cancer (PMID: 12442275, 15889636, 16030099, 23233716, 25777348). It has also been observed to segregate with disease in related individuals. This variant is also known as c.8605G>A. ClinVar contains an entry for this variant (Variation ID: 52569). Invitae Evidence Modeling incorporating data from in vitro experimental studies (PMID: 33609447) indicates that this missense variant is expected to disrupt BRCA2 function with a positive predictive value of 95%. Experimental studies have shown that this missense change affects BRCA2 function (PMID: 23108138). Studies have shown that this missense change results in skipping of exon 19, but is expected to preserve the integrity of the reading-frame (internal data). For these reasons, this variant has been classified as Pathogenic.

Clinical Genetics Laboratory, Skane University Hospital Lund
Classification: Likely pathogenic for Breast-ovarian cancer, familial, susceptibility to, 2. Last evaluated: 2025-05-27. Review status: criteria provided, single submitter. Criteria: ACMG Guidelines, 2015. Collection method: clinical testing. Allele origin: germline. Affected: yes.
Comment: Gene-specific ACMG criteria used: PS3, PM2_Supporting, PP3

Quest Diagnostics Nichols Institute San Juan Capistrano
Classification: Pathogenic. Last evaluated: 2025-03-11. Review status: criteria provided, single submitter. Criteria: Quest Diagnostics criteria. Collection method: clinical testing. Allele origin: unknown.
Comment: The BRCA2 c.8377G>A (p.Gly2793Arg) variant has been reported in the published literature in individuals with breast cancer and breast/ovarian cancer families (PMIDs: 12442275 (2002), 15889636 (2005), 23233716 (2013), 25777348 (2015), 31331294 (2019), and 36833268 (2023)). In addition, functional studies have shown that this variant greatly reduces the homology-directed DNA repair (HDR) activity of the BRCA2 protein (PMIDs: 23108138 (2013), 29394989 (2018), 33609447 (2021), and 35736817 (2022)). The frequency of this variant in the general population (Genome Aggregation Database) is consistent with pathogenicity. Analysis of this variant using bioinformatics tools for the prediction of the effect of amino acid changes on protein structure and function yielded predictions that this variant is damaging. Based on the available information, this variant is classified as pathogenic.

3billion
Classification: Pathogenic for Breast-ovarian cancer, familial, susceptibility to, 2. Last evaluated: 2025-02-05. Review status: criteria provided, single submitter. Criteria: ACMG Guidelines, 2015. Collection method: clinical testing. Allele origin: germline. Affected: yes.
Comment: The variant is observed at an extremely low frequency in the gnomAD v4.1.0 dataset (total allele frequency: <0.001%). Predicted Consequence/Location: Missense variant. The majority of the known disease-causing variants of this gene are variants expected to result in premature termination of the protein. In silico tool predictions suggest damaging effect of the variant on gene or gene product [REVEL: 0.92 (>=0.6, sensitivity 0.68 and specificity 0.92); 3Cnet: 0.81 (>=0.6, sensitivity 0.72 and precision 0.9)]. The same nucleotide change resulting in the same amino acid change has been previously reported as pathogenic/likely pathogenic with strong evidence (ClinVar ID: VCV000052569 /PMID: 23233716 /3billion dataset). The variant has been observed in multiple (>3) similarly affected unrelated individuals (PMID: 12442275, 15889636, 23108138, 25777348). Different missense changes at the same codon (p.Gly2793Glu, p.Gly2793Val) have been reported as pathogenic/likely pathogenic with strong evidence (ClinVar ID: VCV000038157, VCV000038158 /PMID: 32123317). Therefore, this variant is classified as Pathogenic according to the recommendation of ACMG/AMP guideline.

Color Diagnostics, LLC DBA Color Health
Classification: Pathogenic for Hereditary cancer-predisposing syndrome. Last evaluated: 2024-12-23. Review status: criteria provided, single submitter. Criteria: ACMG Guidelines, 2015. Collection method: clinical testing. Allele origin: germline.
Comment: This missense variant replaces glycine with arginine at codon 2793 of the BRCA2 protein. Computational prediction suggests that this variant may have deleterious impact on protein structure and function. Functional studies have reported this variant to impact BRCA2 function in homology-mediated repair assay and in the rescue of Brca2-deficient mouse embryonic stem cells (PMID: 23108138, 29394989, 33293522, 33609447, 35736817). This variant has been detected in individuals affected with high-risk breast cancer (PMID: 12442275, 25777348, 31331294; Color internal data) and in suspected hereditary breast and ovarian cancer families (PMID: 16030099, 23233716). A multifactorial analysis has reported a likelihood ratio for pathogenicity based on personal and family history of 2.969 from log(LR)=0.472612351 for 7 carriers. (PMID: 31853058). A This variant has been identified in 2/251416 chromosomes in the general population by the Genome Aggregation Database (gnomAD). Based on the available evidence, this variant is classified as Pathogenic.

NM_000059.4(BRCA2):c.8377G>A (p.Gly2793Arg)

Gene: BRCA2 (BRCA2 DNA repair associated; plus strand). Cytogenetic location: 13q13.1.
Variant type: single nucleotide variant.
Coding change: c.8377G>A on transcript NM_000059.4 (MANE Select); coding-DNA position 8377, G replaced by A.
Protein change: p.Gly2793Arg; replaces glycine 2793 with arginine.
Molecular consequence: missense variant.
Genome position (GRCh38, 1-based): chr13:32,370,447, G>A. VCF-style: chr13-32370447-G-A. GRCh37 (hg19) VCF-style: chr13-32944584-G-A.
Other names: p.G2793R:GGA>AGA; 8605G>A; short protein forms G2793R.
Identifiers: ClinVar variation 52569 (VCV000052569.50), dbSNP rs80359082, ClinGen allele CA025613.